The following is an entry in ClinVar:

ClinVar aggregate classification (germline): Likely benign. Review status: criteria provided, multiple submitters, no conflicts (2 of 4 stars). 2 submissions from 2 submitters: Likely benign (2). Last evaluated 2024-10-21.

Conditions:
Diffuse cerebral and cerebellar atrophy - intractable seizures - progressive microcephaly syndrome. Also called: Microcephaly, progressive, with seizures and cerebral and cerebellar atrophy. Identifiers: Orphanet 404437, MedGen C4014239, MONDO:0014335, OMIM 615760.

Allele frequency attached by ClinVar (database versions not stated): TOPMed below 0.00001; ExAC 0.00001; gnomAD 0.00001; gnomAD exomes 0.00002 and 0.00003.
gnomAD v4.1: 43 of 1,611,712 alleles (0.0027%); highest among the groups gnomAD compares: Non-Finnish European, 0.0036%; no homozygotes.

Submissions (2):

Labcorp Genetics (formerly Invitae), Labcorp
Classification: Likely benign for Diffuse cerebral and cerebellar atrophy - intractable seizures - progressive microcephaly syndrome. Last evaluated: 2024-10-21. Review status: criteria provided, single submitter. Criteria: Invitae Variant Classification Sherloc (09022015). Collection method: clinical testing. Allele origin: germline.

GeneDx
Classification: Likely benign. Last evaluated: 2018-01-31. Review status: criteria provided, single submitter. Criteria: GeneDx Variant Classification (06012015). Collection method: clinical testing. Allele origin: germline. Affected: yes.
Comment: This variant is considered likely benign or benign based on one or more of the following criteria: it is a conservative change, it occurs at a poorly conserved position in the protein, it is predicted to be benign by multiple in silico algorithms, and/or has population frequency not consistent with disease.

NM_005051.3(QARS1):c.1923A>G (p.Thr641=)

Gene: QARS1 (glutaminyl-tRNA synthetase 1; minus strand). Cytogenetic location: 3p21.31.
Variant type: single nucleotide variant.
Coding change: c.1923A>G on transcript NM_005051.3 (MANE Select); coding-DNA position 1923, A replaced by G.
Protein change: p.Thr641=; no amino-acid change (threonine 641 retained).
Molecular consequence: synonymous variant. On other transcripts: non-coding transcript variant (1).
Genome position (GRCh38, 1-based): chr3:49,098,633, T>C on the plus strand (A>G on the coding strand, the complement: QARS1 is on the minus strand). VCF-style: chr3-49098633-T-C. GRCh37 (hg19) VCF-style: chr3-49136066-T-C.
Other names: c.1890A>G, p.Thr630= (NM_001272073.2).
Identifiers: ClinVar variation 514599 (VCV000514599.9), dbSNP rs764054134, ClinGen allele CA2391594.